The following is an entry in ClinVar:

ClinVar aggregate classification (germline): Uncertain significance (1 of 4 stars; one submission).

Submission:

Labcorp Genetics (formerly Invitae), Labcorp
Classification: Uncertain significance. Last evaluated: 2024-09-14. Review status: criteria provided, single submitter. Criteria: Invitae Variant Classification Sherloc (09022015). Collection method: clinical testing. Allele origin: germline.
Comment: This sequence change replaces valine, which is neutral and non-polar, with methionine, which is neutral and non-polar, at codon 282 of the TNFRSF6B protein (p.Val282Met). The frequency data for this variant in the population databases is considered unreliable, as metrics indicate poor data quality at this position in the gnomAD database. This variant has not been reported in the literature in individuals affected with TNFRSF6B-related conditions. An algorithm developed to predict the effect of missense changes on protein structure and function (PolyPhen-2) suggests that this variant is likely to be tolerated. In summary, the available evidence is currently insufficient to determine the role of this variant in disease. Therefore, it has been classified as a Variant of Uncertain Significance.

NM_003823.4(TNFRSF6B):c.844G>A (p.Val282Met)

Genes: RTEL1-TNFRSF6B (RTEL1-TNFRSF6B readthrough (NMD candidate); plus strand), TNFRSF6B (TNF receptor superfamily member 6b; plus strand). Cytogenetic location: 20q13.33.
Variant type: single nucleotide variant.
Coding change: c.844G>A on transcript NM_003823.4 (MANE Select); coding-DNA position 844, G replaced by A.
Protein change: p.Val282Met; replaces valine 282 with methionine.
Molecular consequence: missense variant. On other transcripts: non-coding transcript variant (1).
Genome position (GRCh38, 1-based): chr20:63,698,504, G>A. VCF-style: chr20-63698504-G-A. GRCh37 (hg19) VCF-style: chr20-62329857-G-A.
Other names: short protein forms V282M.
Identifiers: ClinVar variation 3717157 (VCV003717157.2).
Genomic context (GRCh38, chr20:63,698,504, plus strand): 5'-ACGGAGCTCCTGGGGGCGCAGGACGGGGCGCTGCTGGTGCGGCTGCTGCAGGCGCTGCGC[G>A]TGGCCAGGATGCCCGGGCTGGAGCGGAGCGTCCGTGAGCGCTTCCTCCCTGTGCACTGAT-3'
Protein context (NP_003814.1, residues 272-292): LLVRLLQALR[Val282Met]ARMPGLERSV